The following is an entry in ClinVar:

NM_205768.3(ZBTB18):c.616G>A (p.Ala206Thr)

Gene: ZBTB18 (zinc finger and BTB domain containing 18; plus strand). Cytogenetic location: 1q44.
Variant type: single nucleotide variant.
Coding change: c.616G>A on transcript NM_205768.3 (MANE Select); coding-DNA position 616, G replaced by A.
Protein change: p.Ala206Thr; replaces alanine 206 with threonine.
Molecular consequence: missense variant.
Genome position (GRCh38, 1-based): chr1:244,054,390, G>A. VCF-style: chr1-244054390-G-A. GRCh37 (hg19) VCF-style: chr1-244217692-G-A.
Other names: c.589G>A, p.Ala197Thr (NM_001278196.2, NM_006352.5); c.616G>A, p.Ala206Thr (NM_001421566.1); short protein forms A197T, A206T.
Identifiers: ClinVar variation 3333860 (VCV003333860.3).

ClinVar aggregate classification (germline): Uncertain significance. Review status: criteria provided, multiple submitters, no conflicts (2 of 4 stars). 2 submissions from 2 submitters: Uncertain significance (2). Last evaluated 2025-05-05.

Conditions:
Intellectual developmental disorder, autosomal dominant 22. Also called: Intellectual disability, autosomal dominant 22. Identifiers: MedGen CN029689, MONDO:0012869, OMIM 612337.
Inborn genetic diseases. Identifiers: MedGen C0950123, MeSH D030342.

Submissions (2):

Dasa
Classification: Uncertain significance for Intellectual developmental disorder, autosomal dominant 22. Last evaluated: 2025-05-05. Review status: criteria provided, single submitter. Criteria: DASA Assertion Criteria. Collection method: clinical testing. Allele origin: germline.
Comment: NM_205768.3(ZBTB18):c.616G>A (p.Ala206Thr) is a missense variant that results in the substitution of alanine with threonine. This variant is rare in population databases. Computational prediction algorithms are consistent with a benign effect. The currently available literature and clinical evidence are not sufficient to establish a definitive association between this variant and the reported condition. Therefore, this variant is classified as a variant of uncertain significance.

Ambry Genetics
Classification: Uncertain significance for Inborn genetic diseases. Last evaluated: 2024-03-30. Review status: criteria provided, single submitter. Criteria: Ambry Variant Classification Scheme 2023. Collection method: clinical testing. Allele origin: germline.